The following is an entry in ClinVar:

ClinVar aggregate classification (germline): Uncertain significance (1 of 4 stars; one submission).

gnomAD v4.1: 1 of 1,612,688 alleles (0.000062%); highest among the groups gnomAD compares: Non-Finnish European, 0.000085%; no homozygotes.

Submission:

Labcorp Genetics (formerly Invitae), Labcorp
Classification: Uncertain significance. Last evaluated: 2021-07-22. Review status: criteria provided, single submitter. Criteria: Invitae Variant Classification Sherloc (09022015). Collection method: clinical testing. Allele origin: germline.
Comment: In summary, the available evidence is currently insufficient to determine the role of this variant in disease. Therefore, it has been classified as a Variant of Uncertain Significance. Algorithms developed to predict the effect of missense changes on protein structure and function are either unavailable or do not agree on the potential impact of this missense change (SIFT: "Deleterious"; PolyPhen-2: "Possibly Damaging"; Align-GVGD: "Class C0"). This variant has not been reported in the literature in individuals affected with ANK1-related conditions. This variant is not present in population databases (ExAC no frequency). This sequence change replaces glycine with arginine at codon 1799 of the ANK1 protein (p.Gly1799Arg). The glycine residue is highly conserved and there is a moderate physicochemical difference between glycine and arginine.

NM_000037.4(ANK1):c.5395G>A (p.Gly1799Arg)

Gene: ANK1 (ankyrin 1; minus strand). Cytogenetic location: 8p11.21.
Variant type: single nucleotide variant.
Coding change: c.5395G>A on transcript NM_000037.4 (MANE Select); coding-DNA position 5395, G replaced by A.
Protein change: p.Gly1799Arg; replaces glycine 1799 with arginine.
Molecular consequence: missense variant.
Genome position (GRCh38, 1-based): chr8:41,663,742, C>T on the plus strand (G>A on the coding strand, the complement: ANK1 is on the minus strand). VCF-style: chr8-41663742-C-T. GRCh37 (hg19) VCF-style: chr8-41521260-C-T.
Other names: c.220G>A, p.Gly74Arg (NM_001142445.2, NM_020478.5, NM_020480.5); c.5518G>A, p.Gly1840Arg (NM_001142446.2); c.5395G>A, p.Gly1799Arg (NM_020475.3, NM_020476.3); c.4909G>A, p.Gly1637Arg (NM_020477.3); short protein forms G1799R, G1840R, G1637R, G74R.
Identifiers: ClinVar variation 1358037 (VCV001358037.8), dbSNP rs2150548168, ClinGen allele CA371048158.